The following is an entry in ClinVar:

NM_001365276.2(TNXB):c.751C>T (p.Arg251Ter)

Gene: TNXB (tenascin XB; minus strand). Cytogenetic location: 6p21.33.
Variant type: single nucleotide variant.
Coding change: c.751C>T on transcript NM_001365276.2 (MANE Select); coding-DNA position 751, C replaced by T.
Protein change: p.Arg251Ter; replaces arginine 251 with a stop codon.
Molecular consequence: nonsense.
Genome position (GRCh38, 1-based): chr6:32,097,102, G>A on the plus strand (C>T on the coding strand, the complement: TNXB is on the minus strand). VCF-style: chr6-32097102-G-A. GRCh37 (hg19) VCF-style: chr6-32064879-G-A.
Other names: c.751C>T, p.Arg251Ter (NM_001428335.1, NM_019105.8); short protein forms R251*.
Identifiers: ClinVar variation 5015707 (VCV005015707.1).

ClinVar aggregate classification (germline): Pathogenic (1 of 4 stars; one submission).

Conditions:
Ehlers-Danlos syndrome due to tenascin-X deficiency (EDSCLL1). Also called: EDS DUE TO TNX DEFICIENCY; TNX DEFICIENCY; Ehlers-Danlos syndrome, classic-like, 1; EHLERS-DANLOS SYNDROME, CLASSIC-LIKE; TNXB-Related Classical-Like Ehlers-Danlos Syndrome. Identifiers: Orphanet 230839, MedGen C1848029, MONDO:0011670, OMIM 606408.

Submission:

Myriad Genetics, Inc.
Classification: Pathogenic for Ehlers-Danlos syndrome due to tenascin-X deficiency. Last evaluated: 2026-03-21. Review status: criteria provided, single submitter. Criteria: Myriad Autosomal Dominant, Autosomal Recessive and X-Linked Classification Criteria (2023). Collection method: clinical testing. Allele origin: unknown.
Comment: NM_019105.6(TNXB):c.751C>T(R251*) is expected to be pathogenic in the context of classical-like Ehlers-Danlos syndrome, TNXB-related. This variant is predicted to lead to an abnormal or absent protein product due to the creation of a premature termination codon in TNXB, a gene where loss-of-function variants are known to be pathogenic. Please note: this variant was assessed in the context of healthy population screening.